The following is an entry in ClinVar:

ClinVar aggregate classification (germline): Pathogenic (3 of 4 stars; one submission).

Conditions:
Phenylketonuria (PKU). Also called: OLIGOPHRENIA PHENYLPYRUVICA; Phenylketonurias; Phenylketonuria (PKU); FOLLING DISEASE. Identifiers: Orphanet 716, MedGen C0031485, MONDO:0009861, OMIM 261600. Disease mechanism: loss of function.

Allele frequency attached by ClinVar (database versions not stated): gnomAD exomes below 0.00001.

Submission:

ClinGen PAH Variant Curation Expert Panel
Classification: Pathogenic for Phenylketonuria. Last evaluated: 2020-04-13. Review status: reviewed by expert panel. Criteria: ClinGen PAH ACMG Specifications v1. Collection method: curation. Allele origin: germline. Inheritance: Autosomal recessive inheritance.
Comment: The c.976del (p.Trp326GlyfsTer15) variant in PAH is a null variant (frameshift variant) in a gene where LOF is a known mechanism of disease, leading to premature truncation and NMD (PVS1). It is absent from ethnically diverse control databases, including gnomAD/ExAC, 1000 Genomes, and ESP (PM2). Classification: Pathogenic Supporting criteria: PVS1, PM2; PP4

Literature cited by the submitters: PubMed 20188615.

NM_000277.3(PAH):c.976del (p.Trp326fs)

Gene: PAH (phenylalanine hydroxylase; minus strand). Cytogenetic location: 12q23.2.
Variant type: Deletion.
Coding change: c.976del on transcript NM_000277.3 (MANE Select); coding-DNA position 976, one base deleted (T; older notation c.976delT).
Protein change: p.Trp326fs; shifts the reading frame from tryptophan 326.
Molecular consequence: frameshift variant.
Genome position (GRCh38, 1-based): chr12:102,844,425, A deleted on the plus strand (T on the coding strand, the reverse complement: PAH is on the minus strand). VCF-style (leftmost placement, unchanged base first): chr12-102844424-CA-C. GRCh37 (hg19) VCF-style: chr12-103238202-CA-C.
Other names: c.976del, p.Trp326fs (NM_001354304.2); short protein forms W326fs.
Identifiers: ClinVar variation 932269 (VCV000932269.1), dbSNP rs1874741770, ClinGen allele CA16020912.